The following is an entry in ClinVar:

ClinVar aggregate classification (germline): Uncertain significance. Review status: criteria provided, multiple submitters, no conflicts (2 of 4 stars). 2 submissions from 2 submitters: Uncertain significance (2). Last evaluated 2025-08-09.

Conditions:
Inborn genetic diseases. Identifiers: MedGen C0950123, MeSH D030342.

Allele frequency attached by ClinVar (database versions not stated): gnomAD 0.00001; gnomAD exomes 0.00001; ExAC 0.00007.
gnomAD v4.1: 14 of 1,536,036 alleles (0.00091%); highest among the groups gnomAD compares: African/African-American, 0.0014%; no homozygotes.

Submissions (2):

Ambry Genetics
Classification: Uncertain significance for Inborn genetic diseases. Last evaluated: 2025-08-09. Review status: criteria provided, single submitter. Criteria: Ambry Variant Classification Scheme 2023. Collection method: clinical testing. Allele origin: germline.

GeneDx
Classification: Uncertain significance. Last evaluated: 2023-05-09. Review status: criteria provided, single submitter. Criteria: GeneDx Variant Classification Process June 2021. Collection method: clinical testing. Allele origin: germline. Affected: yes.
Comment: Not observed at significant frequency in large population cohorts (gnomAD); In silico analysis supports that this missense variant has a deleterious effect on protein structure/function; Has not been previously published as pathogenic or benign to our knowledge

NM_001171155.2(PET100):c.178C>T (p.Arg60Trp)

Genes: PET100 (PET100 cytochrome c oxidase chaperone; plus strand), STXBP2 (syntaxin binding protein 2; plus strand). Cytogenetic location: 19p13.2.
Variant type: single nucleotide variant.
Coding change: c.178C>T on transcript NM_001171155.2 (MANE Select); coding-DNA position 178, C replaced by T.
Protein change: p.Arg60Trp; replaces arginine 60 with tryptophan.
Molecular consequence: missense variant. On other transcripts: non-coding transcript variant (1), intron variant (1).
Genome position (GRCh38, 1-based): chr19:7,631,512, C>T. VCF-style: chr19-7631512-C-T. GRCh37 (hg19) VCF-style: chr19-7696398-C-T.
Other names: c.-60+666C>T (NM_001414484.1); short protein forms R60W.
Identifiers: ClinVar variation 2663198 (VCV002663198.2), dbSNP rs757388275, ClinGen allele CA9142870.
Genomic context (GRCh38, chr19:7,631,512, plus strand): 5'-CACCCGCTTCTCCACCCCTAGCTTCAAGAGATAGAGGAATTCAAAGAGAGGTTACGGAAG[C>T]GGCGGGAGGAGAAGCTCCTTCGCGACGCCCAGCAGAACTCCTGAGGCCTCCAAGTGGGAG-3'
Protein context (NP_001164626.1, residues 50-70): IEEFKERLRK[Arg60Trp]REEKLLRDAQ